The following is an entry in ClinVar:

ClinVar aggregate classification (germline): Likely pathogenic (1 of 4 stars; one submission).

Conditions:
Common craniosynostosis syndromes.

Submission:

Genetics Laboratory, Great Ormond Street Hospital NHS Foundation Trust, North Thames Genomic Laboratory Hub
Classification: Likely pathogenic for Common craniosynostosis syndromes. Last evaluated: 2026-06-12. Review status: criteria provided, single submitter. Criteria: ACGS Best Practice Guidelines for Variant Classification in Rare Disease 2024 v1.2. Collection method: clinical testing. Allele origin: germline. Affected: yes.
Comment: PM2_moderate, PVS1_moderate, PS1_strong

NM_006494.4(ERF):c.1A>C (p.Met1Leu)

Gene: ERF (ETS2 repressor factor; minus strand). Cytogenetic location: 19q13.2.
Variant type: single nucleotide variant.
Coding change: c.1A>C on transcript NM_006494.4 (MANE Select); coding-DNA position 1, A replaced by C.
Protein change: p.Met1Leu; changes the start codon (methionine 1).
Molecular consequence: missense variant, initiator codon variant. On other transcripts: 5 prime UTR variant (1), intron variant (1).
Genome position (GRCh38, 1-based): chr19:42,254,999, T>G on the plus strand (A>C on the coding strand, the complement: ERF is on the minus strand). VCF-style: chr19-42254999-T-G. GRCh37 (hg19) VCF-style: chr19-42759151-T-G.
Other names: c.-572A>C (NM_001440421.1); c.-204+105A>C (NM_001312656.2); short protein forms M1L.
Identifiers: ClinVar variation 4884340 (VCV004884340.1).